The following is an entry in ClinVar:

NM_001243133.2(NLRP3):c.2263G>A (p.Gly755Arg)

Gene: NLRP3 (NLR family pyrin domain containing 3; plus strand). Cytogenetic location: 1q44.
Variant type: single nucleotide variant.
Coding change: c.2263G>A on transcript NM_001243133.2 (MANE Select); coding-DNA position 2263, G replaced by A.
Protein change: p.Gly755Arg; replaces glycine 755 with arginine.
Molecular consequence: missense variant. On other transcripts: intron variant (2).
Genome position (GRCh38, 1-based): chr1:247,429,697, G>A. VCF-style: chr1-247429697-G-A. GRCh37 (hg19) VCF-style: chr1-247592999-G-A.
Other names: c.2263G>A, p.Gly755Arg (NM_001079821.3, NM_001127461.3); c.2269G>A, p.Gly757Arg (NM_004895.5); c.2150+4098G>A (NM_001127462.3, NM_183395.3); short protein forms G755R, G757R.
Identifiers: ClinVar variation 2203018 (VCV002203018.4), dbSNP rs180177469, ClinGen allele CA345559359.

ClinVar aggregate classification (germline): Pathogenic (1 of 4 stars; one submission).

Conditions:
Cryopyrin associated periodic syndrome (CAPS). Identifiers: Orphanet 208650, MedGen C2316212, MONDO:0016168.

Submission:

Labcorp Genetics (formerly Invitae), Labcorp
Classification: Pathogenic for Cryopyrin associated periodic syndrome. Last evaluated: 2025-03-31. Review status: criteria provided, single submitter. Criteria: Invitae Variant Classification Sherloc (09022015). Collection method: clinical testing. Allele origin: germline.
Comment: This sequence change replaces glycine, which is neutral and non-polar, with arginine, which is basic and polar, at codon 757 of the NLRP3 protein (p.Gly757Arg). This variant is not present in population databases (gnomAD no frequency). This missense change has been observed in individual(s) with chronic infantile neurological, cutaneous, and articular syndrome (CINCA), cryopyrin-associated periodic syndrome (CAPS), and/or neonatal onset multisystem inflammatory disease (NOMID) (PMID: 18063752, 18080732, 21702021, 29152264). In at least one individual the variant was observed to be de novo. This variant is also known as G755R. ClinVar contains an entry for this variant (Variation ID: 2203018). Invitae Evidence Modeling of protein sequence and biophysical properties (such as structural, functional, and spatial information, amino acid conservation, physicochemical variation, residue mobility, and thermodynamic stability) indicates that this missense variant is expected to disrupt NLRP3 protein function with a positive predictive value of 95%. Experimental studies have shown that this missense change affects NLRP3 function (PMID: 23015306). For these reasons, this variant has been classified as Pathogenic.

Literature cited by the submitters: PubMed 18063752; PubMed 18080732; PubMed 21702021; PubMed 29152264; PubMed 23015306.